The following is an entry in ClinVar:

ClinVar aggregate classification (germline): Uncertain significance (1 of 4 stars; one submission).

Allele frequency attached by ClinVar (database versions not stated): TOPMed below 0.00001; ExAC 0.00001; gnomAD exomes 0.00001.
gnomAD v4.1: 9 of 1,613,526 alleles (0.00056%); highest among the groups gnomAD compares: Non-Finnish European, 0.00076%; no homozygotes.

Submission:

GeneDx
Classification: Uncertain significance. Last evaluated: 2023-10-05. Review status: criteria provided, single submitter. Criteria: GeneDx Variant Classification Process June 2021. Collection method: clinical testing. Allele origin: germline. Affected: yes.
Comment: Not observed at significant frequency in large population cohorts (gnomAD); In silico analysis supports that this missense variant has a deleterious effect on protein structure/function; Has not been previously published as pathogenic or benign to our knowledge

NM_002506.3(NGF):c.677A>G (p.Asp226Gly)

Genes: NGF (nerve growth factor; minus strand), NGF-AS1 (NGF antisense RNA 1; plus strand). Cytogenetic location: 1p13.2.
Variant type: single nucleotide variant.
Coding change: c.677A>G on transcript NM_002506.3 (MANE Select); coding-DNA position 677, A replaced by G.
Protein change: p.Asp226Gly; replaces aspartic acid 226 with glycine.
Molecular consequence: missense variant.
Genome position (GRCh38, 1-based): chr1:115,286,119, T>C on the plus strand (A>G on the coding strand, the complement: NGF is on the minus strand). VCF-style: chr1-115286119-T-C. GRCh37 (hg19) VCF-style: chr1-115828740-T-C.
Other names: short protein forms D226G.
Identifiers: ClinVar variation 3252704 (VCV003252704.1), dbSNP rs34542615.